The following is an entry in ClinVar:

NM_000393.5(COL5A2):c.3147+298dup

Gene: COL5A2 (collagen type V alpha 2 chain; minus strand). Cytogenetic location: 2q32.2.
Variant type: Duplication.
Coding change: c.3147+298dup on transcript NM_000393.5 (MANE Select); 298 bases into the intron after coding-DNA position 3147, one base duplicated (C; older notation c.3147+298dupC).
Molecular consequence: intron variant.
Genome position (GRCh38, 1-based): chr2:189,049,047, G duplicated on the plus strand (C on the coding strand, the reverse complement: COL5A2 is on the minus strand); the first of 3 consecutive G bases (chr2:189,049,047-189,049,049); duplicating any one gives the same sequence. VCF-style (leftmost placement, unchanged base first): chr2-189049046-A-AG. GRCh37 (hg19) VCF-style: chr2-189913772-A-AG.
Identifiers: ClinVar variation 681214 (VCV000681214.1), dbSNP rs5837119, ClinGen allele CA62593802.

ClinVar aggregate classification (germline): Benign (1 of 4 stars; one submission).

Submission:

GeneDx
Classification: Benign. Last evaluated: 2018-06-14. Review status: criteria provided, single submitter. Criteria: GeneDx Variant Classification (06012015). Collection method: clinical testing. Allele origin: germline. Affected: yes.
Comment: This variant is considered likely benign or benign based on one or more of the following criteria: it is a conservative change, it occurs at a poorly conserved position in the protein, it is predicted to be benign by multiple in silico algorithms, and/or has population frequency not consistent with disease.